The following is an entry in ClinVar:

NM_001161352.2(KCNMA1):c.365G>C (p.Gly122Ala)

Gene: KCNMA1 (potassium calcium-activated channel subfamily M alpha 1; minus strand). Cytogenetic location: 10q22.3.
Variant type: single nucleotide variant.
Coding change: c.365G>C on transcript NM_001161352.2 (MANE Select); coding-DNA position 365, G replaced by C.
Protein change: p.Gly122Ala; replaces glycine 122 with alanine.
Molecular consequence: missense variant.
Genome position (GRCh38, 1-based): chr10:77,637,278, C>G on the plus strand (G>C on the coding strand, the complement: KCNMA1 is on the minus strand). VCF-style: chr10-77637278-C-G. GRCh37 (hg19) VCF-style: chr10-79397036-C-G.
Other names: c.365G>C, p.Gly122Ala (NM_001014797.3, NM_001161353.2, NM_001271518.2 and 12 more transcripts); short protein forms G122A.
Identifiers: ClinVar variation 1006714 (VCV001006714.11), dbSNP rs199568153, ClinGen allele CA5568761.

ClinVar aggregate classification (germline): Uncertain significance. Review status: criteria provided, multiple submitters, no conflicts (2 of 4 stars). 5 submissions from 5 submitters: Uncertain significance (4). 1 of the submissions does not count toward it. Last evaluated 2025-05-27.

Conditions:
KCNMA1-related disorder. Also called: KCNMA1-related disorders; KCNMA1-related condition.
Cerebellar atrophy, developmental delay, and seizures. Identifiers: MedGen C4539985, MONDO:0060551, OMIM 617643.
Inborn genetic diseases. Identifiers: MedGen C0950123, MeSH D030342.
Generalized epilepsy-paroxysmal dyskinesia syndrome (PNKD3). Also called: Generalized epilepsy and paroxysmal dyskinesia; Paroxysmal nonkinesigenic dyskinesia, 3, with or without generalized epilepsy. Identifiers: Orphanet 79137, MedGen C5574945, MONDO:0012276, OMIM 609446.

Allele frequency attached by ClinVar (database versions not stated): ExAC 0.00001; gnomAD 0.00002 and 0.00003; gnomAD exomes 0.00002 and 0.00005; TOPMed 0.00002; 1000 Genomes Project 0.00020; 1000 Genomes Project 30x 0.00031.
gnomAD v4.1: 79 of 1,608,706 alleles (0.0049%); highest among the groups gnomAD compares: Non-Finnish European, 0.006%; no homozygotes.

Submissions (5):

Labcorp Genetics (formerly Invitae), Labcorp
Classification: Uncertain significance for Generalized epilepsy-paroxysmal dyskinesia syndrome. Last evaluated: 2025-05-27. Review status: criteria provided, single submitter. Criteria: Invitae Variant Classification Sherloc (09022015). Collection method: clinical testing. Allele origin: germline.
Comment: This sequence change replaces glycine, which is neutral and non-polar, with alanine, which is neutral and non-polar, at codon 122 of the KCNMA1 protein (p.Gly122Ala). This variant is present in population databases (rs199568153, gnomAD 0.007%). This variant has not been reported in the literature in individuals affected with KCNMA1-related conditions. ClinVar contains an entry for this variant (Variation ID: 1006714). An algorithm developed to predict the effect of missense changes on protein structure and function (PolyPhen-2) suggests that this variant is likely to be tolerated. In summary, the available evidence is currently insufficient to determine the role of this variant in disease. Therefore, it has been classified as a Variant of Uncertain Significance.

Ambry Genetics
Classification: Uncertain significance for Inborn genetic diseases. Last evaluated: 2023-03-14. Review status: criteria provided, single submitter. Criteria: Ambry Variant Classification Scheme 2023. Collection method: clinical testing. Allele origin: germline.

GeneDx
Classification: Uncertain significance. Last evaluated: 2021-09-13. Review status: criteria provided, single submitter. Criteria: GeneDx Variant Classification Process June 2021. Collection method: clinical testing. Allele origin: germline. Affected: yes.
Comment: In silico analysis supports that this missense variant does not alter protein structure/function; Has not been previously published as pathogenic or benign to our knowledge

Neuberg Centre For Genomic Medicine, NCGM
Classification: Uncertain significance for Cerebellar atrophy, developmental delay, and seizures. Review status: criteria provided, single submitter. Criteria: ACMG Guidelines, 2015. Collection method: clinical testing. Allele origin: germline. Inheritance: Autosomal recessive inheritance. Affected: yes.
Comment: The missense variant in c.365G>C(p.Gly122Ala) in KCNMA1 gene has not been reported previously as a pathogenic variant nor as a benign variant, to our knowledge. This variant is reported with the allele frequency of 0.002053% in gnomAD Exome and is novel (not in any individual) in 1000 Genome. This variant has been reported to the ClinVar database as Uncertain significance. The amino acid Gly at position 122 is changed to a Ala changing protein sequence and it might alter its composition and physico-chemical properties. The amino acid change p.Gly122Ala in KCNMA1 is predicted as conserved by GERP++ and PhyloP across 100 vertebrates. For these reasons, this variant has been classified as uncertain significance. In the absence of another reportable variant the molecular diagnosis of autosomal recessive inheritance cannot be confirmed. This gene is also associated with autosomal dominant inheritance.

PreventionGenetics, part of Exact Sciences
Classification: Uncertain significance for KCNMA1-related condition. Last evaluated: 2024-05-08. Review status: no assertion criteria provided. Collection method: clinical testing. Allele origin: germline. Not counted in ClinVar's aggregate classification.
Comment: The KCNMA1 c.365G>C variant is predicted to result in the amino acid substitution p.Gly122Ala. To our knowledge, this variant has not been reported in the literature. This variant is reported in 0.0065% of alleles in individuals of African descent in gnomAD. At this time, the clinical significance of this variant is uncertain due to the absence of conclusive functional and genetic evidence.